The following is an entry in ClinVar:

ClinVar aggregate classification (germline): Pathogenic (1 of 4 stars; one submission).

Submission:

Labcorp Genetics (formerly Invitae), Labcorp
Classification: Pathogenic. Last evaluated: 2023-07-17. Review status: criteria provided, single submitter. Criteria: Invitae Variant Classification Sherloc (09022015). Collection method: clinical testing. Allele origin: germline.
Comment: For these reasons, this variant has been classified as Pathogenic. ClinVar contains an entry for this variant (Variation ID: 1422168). This variant has not been reported in the literature in individuals affected with CPLANE1-related conditions. This variant is not present in population databases (gnomAD no frequency). This sequence change creates a premature translational stop signal (p.Leu475Alafs*3) in the CPLANE1 gene. It is expected to result in an absent or disrupted protein product. Loss-of-function variants in CPLANE1 are known to be pathogenic (PMID: 24178751, 26092869).

Literature cited by the submitters: PubMed 24178751; PubMed 26092869.

NM_001384732.1(CPLANE1):c.1419_1420insTC (p.Leu475fs)

Gene: CPLANE1 (ciliogenesis and planar polarity effector complex subunit 1; minus strand). Cytogenetic location: 5p13.2.
Variant type: Insertion.
Coding change: c.1419_1420insTC on transcript NM_001384732.1 (MANE Select); coding-DNA positions 1419 to 1420, TC inserted.
Protein change: p.Leu475fs; shifts the reading frame from leucine 475.
Molecular consequence: frameshift variant.
Genome position: GRCh38 VCF-style: chr5-37227344-T-TGA. GRCh37 (hg19) VCF-style: chr5-37227446-T-TGA.
Other names: c.1419_1420insTC, p.Leu475fs (NM_023073.4); short protein forms L475fs.
Identifiers: ClinVar variation 1422168 (VCV001422168.6), dbSNP rs2150448548, ClinGen allele CA2573139656.